The following is an entry in ClinVar:

NM_005751.5(AKAP9):c.4239A>G (p.Thr1413=)

Gene: AKAP9 (A-kinase anchoring protein 9; plus strand). Cytogenetic location: 7q21.2.
Variant type: single nucleotide variant.
Coding change: c.4239A>G on transcript NM_005751.5 (MANE Select); coding-DNA position 4239, A replaced by G.
Protein change: p.Thr1413=; no amino-acid change (threonine 1413 retained).
Molecular consequence: synonymous variant.
Genome position (GRCh38, 1-based): chr7:92,029,985, A>G. VCF-style: chr7-92029985-A-G. GRCh37 (hg19) VCF-style: chr7-91659299-A-G.
Other names: c.4239A>G, p.Thr1413= (NM_147185.3).
Identifiers: ClinVar variation 4710629 (VCV004710629.1).

ClinVar aggregate classification (germline): Uncertain significance (1 of 4 stars; one submission).

Conditions:
Long QT syndrome (LQTS). Identifiers: MedGen C0023976, MeSH D008133, MONDO:0002442. Disease mechanism: loss of function. Inheritance: Various modes of inheritance.

gnomAD v4.1: 6 of 1,595,382 alleles (0.00038%); highest among the groups gnomAD compares: East Asian, 0.013%; no homozygotes.

Submission:

Labcorp Genetics (formerly Invitae), Labcorp
Classification: Uncertain significance for Long QT syndrome. Last evaluated: 2025-07-08. Review status: criteria provided, single submitter. Criteria: Invitae Variant Classification Sherloc (09022015). Collection method: clinical testing. Allele origin: germline.
Comment: This sequence change affects codon 1413 of the AKAP9 mRNA. It is a 'silent' change, meaning that it does not change the encoded amino acid sequence of the AKAP9 protein. This variant is not present in population databases (gnomAD no frequency). This variant has not been reported in the literature in individuals affected with AKAP9-related conditions. Algorithms developed to predict the effect of sequence changes on RNA splicing suggest that this variant may create or strengthen a splice site. In summary, the available evidence is currently insufficient to determine the role of this variant in disease. Therefore, it has been classified as a Variant of Uncertain Significance.